The following is an entry in ClinVar:

NM_014314.4(RIGI):c.1738G>T (p.Asp580Tyr)

Gene: RIGI (RNA sensor RIG-I; minus strand). Cytogenetic location: 9p21.1.
Variant type: single nucleotide variant.
Coding change: c.1738G>T on transcript NM_014314.4 (MANE Select); coding-DNA position 1738, G replaced by T.
Protein change: p.Asp580Tyr; replaces aspartic acid 580 with tyrosine.
Molecular consequence: missense variant.
Genome position (GRCh38, 1-based): chr9:32,480,255, C>A on the plus strand (G>T on the coding strand, the complement: RIGI is on the minus strand). VCF-style: chr9-32480255-C-A. GRCh37 (hg19) VCF-style: chr9-32480253-C-A.
Other names: c.1732G>T, p.Asp578Tyr (NM_001385907.1); c.1738G>T, p.Asp580Tyr (NM_001385909.1); c.1297G>T, p.Asp433Tyr (NM_001385910.1); c.1129G>T, p.Asp377Tyr (NM_001385912.1); c.1723G>T, p.Asp575Tyr (NM_001385913.1); c.1294G>T, p.Asp432Tyr (NM_001385914.1); short protein forms D580Y, D433Y, D575Y, D377Y, D432Y, D578Y.
Identifiers: ClinVar variation 1978728 (VCV001978728.4), dbSNP rs763777619, ClinGen allele CA373151392.

ClinVar aggregate classification (germline): Uncertain significance (1 of 4 stars; one submission).

Submission:

Labcorp Genetics (formerly Invitae), Labcorp
Classification: Uncertain significance. Last evaluated: 2022-09-16. Review status: criteria provided, single submitter. Criteria: Invitae Variant Classification Sherloc (09022015). Collection method: clinical testing. Allele origin: germline.
Comment: In summary, the available evidence is currently insufficient to determine the role of this variant in disease. Therefore, it has been classified as a Variant of Uncertain Significance. Advanced modeling of protein sequence and biophysical properties (such as structural, functional, and spatial information, amino acid conservation, physicochemical variation, residue mobility, and thermodynamic stability) performed at Invitae indicates that this missense variant is expected to disrupt DDX58 protein function. This variant is not present in population databases (gnomAD no frequency). This variant has not been reported in the literature in individuals affected with DDX58-related conditions. This sequence change replaces aspartic acid, which is acidic and polar, with tyrosine, which is neutral and polar, at codon 580 of the DDX58 protein (p.Asp580Tyr).